The following is an entry in ClinVar:

ClinVar aggregate classification (germline): Uncertain significance (1 of 4 stars; one submission).

Submission:

Labcorp Genetics (formerly Invitae), Labcorp
Classification: Uncertain significance. Last evaluated: 2024-06-23. Review status: criteria provided, single submitter. Criteria: Invitae Variant Classification Sherloc (09022015). Collection method: clinical testing. Allele origin: germline.
Comment: This sequence change replaces glutamic acid, which is acidic and polar, with glutamine, which is neutral and polar, at codon 104 of the GNA11 protein (p.Glu104Gln). This variant is not present in population databases (gnomAD no frequency). This variant has not been reported in the literature in individuals affected with GNA11-related conditions. Advanced modeling of protein sequence and biophysical properties (such as structural, functional, and spatial information, amino acid conservation, physicochemical variation, residue mobility, and thermodynamic stability) performed at Invitae indicates that this missense variant is not expected to disrupt GNA11 protein function with a negative predictive value of 80%. In summary, the available evidence is currently insufficient to determine the role of this variant in disease. Therefore, it has been classified as a Variant of Uncertain Significance.

NM_002067.5(GNA11):c.310G>C (p.Glu104Gln)

Gene: GNA11 (G protein subunit alpha 11; plus strand). Cytogenetic location: 19p13.3.
Variant type: single nucleotide variant.
Coding change: c.310G>C on transcript NM_002067.5 (MANE Select); coding-DNA position 310, G replaced by C.
Protein change: p.Glu104Gln; replaces glutamic acid 104 with glutamine.
Molecular consequence: missense variant.
Genome position (GRCh38, 1-based): chr19:3,110,322, G>C. VCF-style: chr19-3110322-G-C. GRCh37 (hg19) VCF-style: chr19-3110320-G-C.
Other names: short protein forms E104Q.
Identifiers: ClinVar variation 3657516 (VCV003657516.2).